The following is an entry in ClinVar:

NM_001303256.3(MORC2):c.2024G>A (p.Arg675Gln)

Gene: MORC2 (MORC family CW-type zinc finger 2; minus strand). Cytogenetic location: 22q12.2.
Variant type: single nucleotide variant.
Coding change: c.2024G>A on transcript NM_001303256.3 (MANE Select); coding-DNA position 2024, G replaced by A.
Protein change: p.Arg675Gln; replaces arginine 675 with glutamine.
Molecular consequence: missense variant.
Genome position (GRCh38, 1-based): chr22:30,934,950, C>T on the plus strand (G>A on the coding strand, the complement: MORC2 is on the minus strand). VCF-style: chr22-30934950-C-T. GRCh37 (hg19) VCF-style: chr22-31330937-C-T.
Other names: c.2024G>A, p.Arg675Gln (NM_001303257.2); c.1838G>A, p.Arg613Gln (NM_014941.3); short protein forms R613Q, R675Q.
Identifiers: ClinVar variation 582214 (VCV000582214.8), dbSNP rs563612262, ClinGen allele CA10186785.

ClinVar aggregate classification (germline): Uncertain significance. Review status: criteria provided, multiple submitters, no conflicts (2 of 4 stars). 2 submissions from 2 submitters: Uncertain significance (2). Last evaluated 2018-05-20.

Conditions:
Charcot-Marie-Tooth disease axonal type 2Z. Also called: CHARCOT-MARIE-TOOTH DISEASE, AXONAL, AUTOSOMAL DOMINANT, TYPE 2Z; CHARCOT-MARIE-TOOTH NEUROPATHY, TYPE 2Z. Identifiers: Orphanet 466768, MedGen C5569025, MONDO:0014736, OMIM 616688.

Allele frequency attached by ClinVar (database versions not stated): gnomAD 0.00001 and 0.00003; gnomAD exomes 0.00001 and 0.00002; TOPMed 0.00001; ExAC 0.00002; 1000 Genomes Project 30x 0.00016; 1000 Genomes Project 0.00020.
gnomAD v4.1: 22 of 1,614,032 alleles (0.0014%); highest among the groups gnomAD compares: Middle Eastern, 0.016%; no homozygotes.

Submissions (2):

Labcorp Genetics (formerly Invitae), Labcorp
Classification: Uncertain significance for Charcot-Marie-Tooth disease axonal type 2Z. Last evaluated: 2018-05-20. Review status: criteria provided, single submitter. Criteria: Invitae Variant Classification Sherloc (09022015). Collection method: clinical testing. Allele origin: germline.
Comment: In summary, the available evidence is currently insufficient to determine the role of this variant in disease. Therefore, it has been classified as a Variant of Uncertain Significance. Algorithms developed to predict the effect of missense changes on protein structure and function (SIFT, PolyPhen-2, Align-GVGD) all suggest that this variant is likely to be tolerated, but these predictions have not been confirmed by published functional studies and their clinical significance is uncertain. This variant has not been reported in the literature in individuals with MORC2-related disease. This variant is present in population databases (rs563612262, ExAC 0.009%). This sequence change replaces arginine with glutamine at codon 613 of the MORC2 protein (p.Arg613Gln). The arginine residue is moderately conserved and there is a small physicochemical difference between arginine and glutamine.

Breakthrough Genomics
Classification: Uncertain significance. Review status: criteria provided, single submitter. Criteria: ACMG Guidelines, 2015. Collection method: not provided. Allele origin: germline. Inheritance: Autosomal dominant inheritance. Affected: yes.